The following is an entry in ClinVar:

ClinVar aggregate classification (germline): Likely pathogenic (1 of 4 stars; one submission).

Conditions:
Seizures, benign familial neonatal, 1. Also called: KCNQ2-Related Benign Familial Neonatal Epilepsy; Seizures, benign neonatal, 1; Benign Neonatal Epilepsy 1; KCNQ2-Related Self-Limited Familial Neonatal Epilepsy (SLFNE). Identifiers: Orphanet 1949, MedGen C3149074, MONDO:0007365, OMIM 121200.

Submission:

Center of Genomic medicine, Geneva, University Hospital of Geneva
Classification: Likely pathogenic for Seizures, benign familial neonatal, 1. Last evaluated: 2016-04-12. Review status: criteria provided, single submitter. Criteria: ACMG Guidelines, 2015. Collection method: clinical testing. Allele origin: de novo. Affected: yes.

NM_172107.4(KCNQ2):c.1639C>G (p.Arg547Gly)

Gene: KCNQ2 (potassium voltage-gated channel subfamily Q member 2; minus strand). Cytogenetic location: 20q13.33.
Variant type: single nucleotide variant.
Coding change: c.1639C>G on transcript NM_172107.4 (MANE Select); coding-DNA position 1639, C replaced by G.
Protein change: p.Arg547Gly; replaces arginine 547 with glycine.
Molecular consequence: missense variant.
Genome position (GRCh38, 1-based): chr20:63,413,574, G>C on the plus strand (C>G on the coding strand, the complement: KCNQ2 is on the minus strand). VCF-style: chr20-63413574-G-C. GRCh37 (hg19) VCF-style: chr20-62044927-G-C.
Other names: c.1555C>G, p.Arg519Gly (NM_004518.6); c.1585C>G, p.Arg529Gly (NM_172106.3); c.1546C>G, p.Arg516Gly (NM_172108.5); short protein forms R547G, R529G, R519G, R516G.
Identifiers: ClinVar variation 226112 (VCV000226112.2), dbSNP rs796052650, ClinGen allele CA10576253.
Genomic context (GRCh38, chr20:63,413,574, plus strand): 5'-CGTCCATCACGTCGTAGGGCCGCAGGCTCTCCTTGAACTTCCGCTTGGACACCAGGAACC[G>C]CATGACACTGCAGGGGGGTGGGTGGGGCTGTGAGCCCTGGGCCAGAGACCCCCGGCCACA-3'
Protein context (NP_742105.1, residues 537-557): KVSIRAVCVM[Arg547Gly]FLVSKRKFKE